The following is an entry in ClinVar:

NM_000081.4(LYST):c.9463C>T (p.Arg3155Ter)

Gene: LYST (lysosomal trafficking regulator; minus strand). Cytogenetic location: 1q42.3.
Variant type: single nucleotide variant.
Coding change: c.9463C>T on transcript NM_000081.4 (MANE Select); coding-DNA position 9463, C replaced by T.
Protein change: p.Arg3155Ter; replaces arginine 3155 with a stop codon.
Molecular consequence: nonsense.
Genome position (GRCh38, 1-based): chr1:235,720,758, G>A on the plus strand (C>T on the coding strand, the complement: LYST is on the minus strand). VCF-style: chr1-235720758-G-A. GRCh37 (hg19) VCF-style: chr1-235884058-G-A.
Other names: c.9463C>T, p.Arg3155Ter (NM_001301365.1); short protein forms R3155*.
Identifiers: ClinVar variation 2804298 (VCV002804298.3), dbSNP rs891787440, ClinGen allele CA39602932.

ClinVar aggregate classification (germline): Pathogenic (1 of 4 stars; one submission).

Conditions:
Chédiak-Higashi syndrome (CHS). Also called: Chediak-Higashi Syndrome. Identifiers: Orphanet 167, MedGen C0007965, MONDO:0008963, OMIM 214500.

Submission:

Labcorp Genetics (formerly Invitae), Labcorp
Classification: Pathogenic for Chédiak-Higashi syndrome. Last evaluated: 2023-12-30. Review status: criteria provided, single submitter. Criteria: Invitae Variant Classification Sherloc (09022015). Collection method: clinical testing. Allele origin: germline.
Comment: This sequence change creates a premature translational stop signal (p.Arg3155*) in the LYST gene. It is expected to result in an absent or disrupted protein product. Loss-of-function variants in LYST are known to be pathogenic (PMID: 9215679, 11857544). This variant is not present in population databases (gnomAD no frequency). This variant has not been reported in the literature in individuals affected with LYST-related conditions. For these reasons, this variant has been classified as Pathogenic.

Literature cited by the submitters: PubMed 9215679; PubMed 11857544.